The following is an entry in ClinVar:

ClinVar aggregate classification (germline): Uncertain significance (1 of 4 stars; one submission).

Allele frequency attached by ClinVar (database versions not stated): TOPMed below 0.00001.
gnomAD v4.1: 6 of 1,610,382 alleles (0.00037%); highest among the groups gnomAD compares: South Asian, 0.0011%; no homozygotes.

Submission:

Labcorp Genetics (formerly Invitae), Labcorp
Classification: Uncertain significance. Last evaluated: 2025-03-10. Review status: criteria provided, single submitter. Criteria: Invitae Variant Classification Sherloc (09022015). Collection method: clinical testing. Allele origin: germline.
Comment: This sequence change falls in intron 15 of the CLCN6 gene. It does not directly change the encoded amino acid sequence of the CLCN6 protein. It affects a nucleotide within the consensus splice site. This variant is not present in population databases (gnomAD no frequency). This variant has not been reported in the literature in individuals affected with CLCN6-related conditions. ClinVar contains an entry for this variant (Variation ID: 1512280). Variants that disrupt the consensus splice site are a relatively common cause of aberrant splicing (PMID: 17576681, 9536098). Algorithms developed to predict the effect of sequence changes on RNA splicing suggest that this variant is not likely to affect RNA splicing. In summary, the available evidence is currently insufficient to determine the role of this variant in disease. Therefore, it has been classified as a Variant of Uncertain Significance.

Literature cited by the submitters: PubMed 17576681; PubMed 9536098.

NM_001286.5(CLCN6):c.1527-3T>C

Gene: CLCN6 (chloride voltage-gated channel 6; plus strand). Cytogenetic location: 1p36.22.
Variant type: single nucleotide variant.
Coding change: c.1527-3T>C on transcript NM_001286.5 (MANE Select); 3 bases into the intron before coding-DNA position 1527, T replaced by C.
Molecular consequence: intron variant.
Genome position (GRCh38, 1-based): chr1:11,834,233, T>C. VCF-style: chr1-11834233-T-C. GRCh37 (hg19) VCF-style: chr1-11894290-T-C.
Other names: c.1461-3T>C (NM_001256959.2).
Identifiers: ClinVar variation 1512280 (VCV001512280.6), dbSNP rs1644916989, ClinGen allele CA1153810167.